The following is an entry in ClinVar:

ClinVar aggregate classification (germline): Uncertain significance (1 of 4 stars; one submission).

Conditions:
Hereditary nonpolyposis colorectal neoplasms. Identifiers: MedGen C0009405, MeSH D003123.

Submission:

Labcorp Genetics (formerly Invitae), Labcorp
Classification: Uncertain significance for Hereditary nonpolyposis colorectal neoplasms. Last evaluated: 2025-10-03. Review status: criteria provided, single submitter. Criteria: Invitae Variant Classification Sherloc (09022015). Collection method: clinical testing. Allele origin: germline.
Comment: This sequence change replaces glutamine, which is neutral and polar, with glutamic acid, which is acidic and polar, at codon 939 of the MSH6 protein (p.Gln939Glu). This variant is not present in population databases (gnomAD no frequency). This variant has not been reported in the literature in individuals affected with MSH6-related conditions. ClinVar contains an entry for this variant (Variation ID: 1970543). Invitae Evidence Modeling of protein sequence and biophysical properties (such as structural, functional, and spatial information, amino acid conservation, physicochemical variation, residue mobility, and thermodynamic stability) indicates that this missense variant is not expected to disrupt MSH6 protein function with a negative predictive value of 95%. In summary, the available evidence is currently insufficient to determine the role of this variant in disease. Therefore, it has been classified as a Variant of Uncertain Significance.

NM_000179.3(MSH6):c.2815C>G (p.Gln939Glu)

Gene: MSH6 (mutS homolog 6; plus strand). Cytogenetic location: 2p16.3.
Variant type: single nucleotide variant.
Coding change: c.2815C>G on transcript NM_000179.3 (MANE Select); coding-DNA position 2815, C replaced by G.
Protein change: p.Gln939Glu; replaces glutamine 939 with glutamic acid.
Molecular consequence: missense variant.
Genome position (GRCh38, 1-based): chr2:47,800,798, C>G. VCF-style: chr2-47800798-C-G. GRCh37 (hg19) VCF-style: chr2-48027937-C-G.
Other names: c.2815C>G, p.Gln939Glu (NM_001406809.1, NM_001406796.1, NM_001406798.1 and 2 more transcripts); c.1909C>G, p.Gln637Glu (NM_001406811.1, NM_001406812.1, NM_001406814.1 and 6 more transcripts); c.2821C>G, p.Gln941Glu (NM_001406813.1); c.2518C>G, p.Gln840Glu (NM_001406818.1, NM_001406819.1, NM_001406820.1 and 10 more transcripts); c.2425C>G, p.Gln809Glu (NM_001281492.2); c.2911C>G, p.Gln971Glu (NM_001406795.1, NM_001406802.1); c.2290C>G, p.Gln764Glu (NM_001406799.1, NM_001406806.1, NM_001406807.1); c.2737C>G, p.Gln913Glu (NM_001406804.1); and 2 more; short protein forms Q840E, Q939E, Q971E, Q637E, Q883E, Q254E, Q764E, Q809E.
Identifiers: ClinVar variation 1970543 (VCV001970543.5), dbSNP rs63750140, ClinGen allele CA346755643.